The following is an entry in ClinVar:

NM_152416.4(NDUFAF6):c.32G>A (p.Gly11Glu)

Genes: NDUFAF6 (NADH:ubiquinone oxidoreductase complex assembly factor 6; plus strand), LOC113788297 (Sharpr-MPRA regulatory region 2014; plus strand). Cytogenetic location: 8q22.1.
Variant type: single nucleotide variant.
Coding change: c.32G>A on transcript NM_152416.4 (MANE Select); coding-DNA position 32, G replaced by A.
Protein change: p.Gly11Glu; replaces glycine 11 with glutamic acid.
Molecular consequence: missense variant. On other transcripts: 5 prime UTR variant (12), non-coding transcript variant (6), intron variant (7).
Genome position (GRCh38, 1-based): chr8:95,025,040, G>A. VCF-style: chr8-95025040-G-A. GRCh37 (hg19) VCF-style: chr8-96037268-G-A.
Other names: p.Gly11Glu; c.-249G>A (NM_001330582.2, NM_001354521.2); c.-202G>A (NM_001354517.2); c.-421G>A (NM_001354518.2); c.-417G>A (NM_001354519.2); c.-766G>A (NM_001354527.2); c.-737G>A (NM_001354528.2); c.-549G>A (NM_001354529.2); and 10 more; short protein forms G11E.
Identifiers: ClinVar variation 1416956 (VCV001416956.8), dbSNP rs778021630, ClinGen allele CA4814667.

ClinVar aggregate classification (germline): Uncertain significance. Review status: criteria provided, multiple submitters, no conflicts (2 of 4 stars). 3 submissions from 3 submitters: Uncertain significance (3). Last evaluated 2025-07-10.

Allele frequency attached by ClinVar (database versions not stated): gnomAD 0.00014 and 0.00016; TOPMed 0.00017.
gnomAD v4.1: 33 of 1,416,174 alleles (0.0023%); highest among the groups gnomAD compares: African/African-American, 0.048%; no homozygotes.

Submissions (3):

GeneDx
Classification: Uncertain significance. Last evaluated: 2025-07-10. Review status: criteria provided, single submitter. Criteria: GeneDx Variant Classification Process June 2021. Collection method: clinical testing. Allele origin: germline. Affected: yes.
Comment: In silico analysis suggests that this missense variant does not alter protein structure/function; Has not been previously published as pathogenic or benign to our knowledge

Labcorp Genetics (formerly Invitae), Labcorp
Classification: Uncertain significance. Last evaluated: 2024-02-24. Review status: criteria provided, single submitter. Criteria: Invitae Variant Classification Sherloc (09022015). Collection method: clinical testing. Allele origin: germline.
Comment: This sequence change replaces glycine, which is neutral and non-polar, with glutamic acid, which is acidic and polar, at codon 11 of the NDUFAF6 protein (p.Gly11Glu). The frequency data for this variant in the population databases is considered unreliable, as metrics indicate poor data quality at this position in the gnomAD database. This variant has not been reported in the literature in individuals affected with NDUFAF6-related conditions. ClinVar contains an entry for this variant (Variation ID: 1416956). An algorithm developed to predict the effect of missense changes on protein structure and function (PolyPhen-2) suggests that this variant is likely to be tolerated. In summary, the available evidence is currently insufficient to determine the role of this variant in disease. Therefore, it has been classified as a Variant of Uncertain Significance.

Mayo Clinic Laboratories, Mayo Clinic
Classification: Uncertain significance. Last evaluated: 2023-03-28. Review status: criteria provided, single submitter. Criteria: ACMG Guidelines, 2015. Collection method: clinical testing. Allele origin: germline. Observed: 1 variant allele.
Comment: BP4, PM2